The following is an entry in ClinVar:

ClinVar aggregate classification (germline): Conflicting classifications of pathogenicity. Review status: criteria provided, conflicting classifications (1 of 4 stars). 2 submissions from 2 submitters: Uncertain significance (1); Likely benign (1). Last evaluated 2025-03-17.

Submissions (2):

Labcorp Genetics (formerly Invitae), Labcorp
Classification: Likely benign. Last evaluated: 2025-03-17. Review status: criteria provided, single submitter. Criteria: Invitae Variant Classification Sherloc (09022015). Collection method: clinical testing. Allele origin: germline.

Quest Diagnostics Nichols Institute San Juan Capistrano
Classification: Uncertain significance. Last evaluated: 2024-06-20. Review status: criteria provided, single submitter. Criteria: Quest Diagnostics criteria. Collection method: clinical testing. Allele origin: unknown.
Comment: The NTHL1 c.549+10G>A variant has not been reported in individuals with NTHL1-related conditions in the published literature. It also has not been reported in large, multi-ethnic general populations (Genome Aggregation Database). Analysis of this variant using software algorithms for the prediction of the effect of nucleotide changes on splicing yielded predictions that this variant does not affect NTHL1 mRNA splicing. Based on the available information, we are unable to determine the clinical significance of this variant.

NM_002528.7(NTHL1):c.525+10G>A

Gene: NTHL1 (nth like DNA glycosylase 1; minus strand). Cytogenetic location: 16p13.3.
Variant type: single nucleotide variant.
Coding change: c.525+10G>A on transcript NM_002528.7 (MANE Select); 10 bases into the intron after coding-DNA position 525, G replaced by A.
Molecular consequence: intron variant.
Genome position (GRCh38, 1-based): chr16:2,044,620, C>T on the plus strand (G>A on the coding strand, the complement: NTHL1 is on the minus strand). VCF-style: chr16-2044620-C-T. GRCh37 (hg19) VCF-style: chr16-2094621-C-T.
Other names: c.195+10G>A (NM_001318194.2); c.355-894G>A (NM_001318193.2); c.549+10G>A (NM_002528.6).
Identifiers: ClinVar variation 1644529 (VCV001644529.10), dbSNP rs2150942168, ClinGen allele CA2573151797.